The following is an entry in ClinVar:

ClinVar aggregate classification (germline): Pathogenic (1 of 4 stars; one submission).

Conditions:
Duchenne muscular dystrophy (DMD). Also called: MUSCULAR DYSTROPHY, PSEUDOHYPERTROPHIC PROGRESSIVE, DUCHENNE TYPE; Duchenne Muscular Dystrophy (DMD). Identifiers: Orphanet 98896, MedGen C0013264, MONDO:0010679, OMIM 310200.

Submission:

Centro de Genética y Biología Molecular, Universidad de San Martín de Porres
Classification: Pathogenic for Duchenne muscular dystrophy. Review status: criteria provided, single submitter. Criteria: ACMG Guidelines, 2015. Collection method: clinical testing. Allele origin: germline. Inheritance: X-linked inheritance. Affected: yes. Observed: 1 compound heterozygote.
Comment: The c.10409del variant has been reported in Leiden Open (source) Variation Database (LOVD) version 3.0 to be classified as pathogenic evidence.

NM_004006.3(DMD):c.10409del (p.Leu3470fs)

Gene: DMD (dystrophin; minus strand). Cytogenetic location: Xp21.2.
Variant type: Deletion.
Coding change: c.10409del on transcript NM_004006.3 (MANE Select); coding-DNA position 10409, one base deleted (T; older notation c.10409delT).
Protein change: p.Leu3470fs; shifts the reading frame from leucine 3470.
Molecular consequence: frameshift variant. On other transcripts: intron variant (2).
Genome position (GRCh38, 1-based): chrX:31,169,587, A deleted on the plus strand (T on the coding strand, the reverse complement: DMD is on the minus strand); the first of 3 consecutive A bases (chrX:31,169,587-31,169,589); deleting any one gives the same sequence. VCF-style (leftmost placement, unchanged base first): chrX-31169586-CA-C. GRCh37 (hg19) VCF-style: chrX-31187703-CA-C.
Other names: c.10385del, p.Leu3462fs (NM_000109.4); c.10397del, p.Leu3466fs (NM_004009.3); c.10040del, p.Leu3347fs (NM_004010.3); c.6386del, p.Leu2129fs (NM_004011.4); c.6377del, p.Leu2126fs (NM_004012.4); c.3029del, p.Leu1010fs (NM_004013.3, NM_004021.3); c.2222del, p.Leu741fs (NM_004014.3); c.1205del, p.Leu402fs (NM_004015.3, NM_004016.3); and 3 more; short protein forms L1010fs, L2126fs, L2129fs, L3347fs, L3462fs, L3466fs, L3470fs, L389fs.
Identifiers: ClinVar variation 984439 (VCV000984439.3), dbSNP rs2039782181, ClinGen allele CA1139667348.